The following is an entry in ClinVar:

ClinVar aggregate classification (germline): Uncertain significance. Review status: criteria provided, single submitter (1 of 4 stars). 2 submissions from 2 submitters: Uncertain significance (1). 1 of the submissions does not count toward it. Last evaluated 2025-11-12.

Conditions:
AXL-related disorder. Also called: AXL-related condition.

gnomAD v4.1: 16 of 1,613,858 alleles (0.00099%); highest among the groups gnomAD compares: Admixed American, 0.0017%; no homozygotes.

Submissions (2):

Ambry Genetics
Classification: Uncertain significance. Last evaluated: 2025-11-12. Review status: criteria provided, single submitter. Criteria: Ambry Variant Classification Scheme 2023. Collection method: clinical testing. Allele origin: germline.

PreventionGenetics, part of Exact Sciences
Classification: Uncertain significance for AXL-related condition. Last evaluated: 2024-06-25. Review status: no assertion criteria provided. Collection method: clinical testing. Allele origin: germline. Not counted in ClinVar's aggregate classification.
Comment: The AXL c.1070G>A variant is predicted to result in the amino acid substitution p.Arg357Gln. To our knowledge, this variant has not been reported in the literature. This variant is reported in 0.0033% of alleles in individuals of South Asian descent in gnomAD. At this time, the clinical significance of this variant is uncertain due to the absence of conclusive functional and genetic evidence.

NM_021913.5(AXL):c.1070G>A (p.Arg357Gln)

Gene: AXL (AXL receptor tyrosine kinase; plus strand). Cytogenetic location: 19q13.2.
Variant type: single nucleotide variant.
Coding change: c.1070G>A on transcript NM_021913.5 (MANE Select); coding-DNA position 1070, G replaced by A.
Protein change: p.Arg357Gln; replaces arginine 357 with glutamine.
Molecular consequence: missense variant.
Genome position (GRCh38, 1-based): chr19:41,238,545, G>A. VCF-style: chr19-41238545-G-A. GRCh37 (hg19) VCF-style: chr19-41744450-G-A.
Other names: c.1070G>A (NM_021913.3); c.266G>A, p.Arg89Gln (NM_001278599.2); c.1070G>A, p.Arg357Gln (NM_001699.6); short protein forms R357Q, R89Q.
Identifiers: ClinVar variation 3345016 (VCV003345016.2).